The following is an entry in ClinVar:

NM_001852.4(COL9A2):c.*263C>T

Gene: COL9A2 (collagen type IX alpha 2 chain; minus strand). Cytogenetic location: 1p34.2.
Variant type: single nucleotide variant.
Coding change: c.*263C>T on transcript NM_001852.4 (MANE Select); 263 bases downstream of the stop codon, C replaced by T.
Molecular consequence: 3 prime UTR variant.
Genome position (GRCh38, 1-based): chr1:40,300,919, G>A on the plus strand (C>T on the coding strand, the complement: COL9A2 is on the minus strand). VCF-style: chr1-40300919-G-A. GRCh37 (hg19) VCF-style: chr1-40766591-G-A.
Identifiers: ClinVar variation 876171 (VCV000876171.4), dbSNP rs187788913, ClinGen allele CA21041026.

ClinVar aggregate classification (germline): Benign (1 of 4 stars; one submission).

Conditions:
Epiphyseal dysplasia, multiple, 2 (EDM2). Also called: COL9A2-Related Multiple Epiphyseal Dysplasia. Identifiers: MedGen C1838429, MONDO:0010844, OMIM 600204.

Allele frequency attached by ClinVar (database versions not stated): gnomAD exomes 0.00040; gnomAD 0.00238 and 0.00248; TOPMed 0.00256; 1000 Genomes Project 0.00399; 1000 Genomes Project 30x 0.00453.
gnomAD v4.1: 500 of 485,452 alleles (0.1%); highest among the groups gnomAD compares: African/African-American, 0.86%; 2 homozygotes.

Submission:

Illumina Laboratory Services, Illumina
Classification: Benign for Epiphyseal dysplasia, multiple, 2. Last evaluated: 2018-01-12. Review status: criteria provided, single submitter. Criteria: ICSL Variant Classification Criteria 13 December 2019. Collection method: clinical testing. Allele origin: germline.
Comment: This variant was observed in the ICSL laboratory as part of a predisposition screen in an ostensibly healthy population. It had not been previously curated by ICSL or reported in the Human Gene Mutation Database (HGMD: prior to June 1st, 2018), and was therefore a candidate for classification through an automated scoring system. Utilizing variant allele frequency, disease prevalence and penetrance estimates, and inheritance mode, an automated score was calculated to assess if this variant is too frequent to cause the disease. Based on the score and internal cut-off values, a variant classified as benign is not then subjected to further curation. The score for this variant resulted in a classification of benign for this disease.